The following is an entry in ClinVar:

NM_001035.3(RYR2):c.12860A>G (p.Tyr4287Cys)

Genes: RYR2 (ryanodine receptor 2; plus strand), LOC126806068 (BRD4-independent group 4 enhancer GRCh37_chr1:237947411-237948610; plus strand). Cytogenetic location: 1q43.
Variant type: single nucleotide variant.
Coding change: c.12860A>G on transcript NM_001035.3 (MANE Select); coding-DNA position 12860, A replaced by G.
Protein change: p.Tyr4287Cys; replaces tyrosine 4287 with cysteine.
Molecular consequence: missense variant.
Genome position (GRCh38, 1-based): chr1:237,784,572, A>G. VCF-style: chr1-237784572-A-G. GRCh37 (hg19) VCF-style: chr1-237947872-A-G.
Other names: c.12860A>G (NM_001035.2); short protein forms Y4287C.
Identifiers: ClinVar variation 1515183 (VCV001515183.10), dbSNP rs1422123208, ClinGen allele CA345414481.

ClinVar aggregate classification (germline): Uncertain significance. Review status: criteria provided, multiple submitters, no conflicts (2 of 4 stars). 3 submissions from 3 submitters: Uncertain significance (3). Last evaluated 2026-04-04.

Conditions:
Cardiovascular phenotype. Identifiers: MedGen CN230736.
Cardiomyopathy (CMYO). Also called: Cardiomyopathies. Identifiers: Orphanet 167848, MedGen C0878544, MONDO:0004994, HP:0001638. Inheritance: Various modes of inheritance.
Catecholaminergic polymorphic ventricular tachycardia 1. Also called: VENTRICULAR TACHYCARDIA, CATECHOLAMINERGIC POLYMORPHIC, 1, WITH OR WITHOUT ATRIAL DYSFUNCTION AND/OR DILATED CARDIOMYOPATHY; VENTRICULAR TACHYCARDIA, STRESS-INDUCED POLYMORPHIC 1; RYR2-Related Catecholaminergic Polymorphic Ventricular Tachycardia. Identifiers: Orphanet 3286, MedGen C1631597, MONDO:0011484, OMIM 604772.

Allele frequency attached by ClinVar (database versions not stated): gnomAD 0.00001; TOPMed 0.00001.
gnomAD v4.1: 2 of 1,613,746 alleles (0.00012%); highest among the groups gnomAD compares: African/African-American, 0.0013%; no homozygotes.

Submissions (3):

Ambry Genetics
Classification: Uncertain significance for Cardiovascular phenotype. Last evaluated: 2026-04-04. Review status: criteria provided, single submitter. Criteria: Ambry Variant Classification Scheme 2023. Collection method: clinical testing. Allele origin: germline.
Comment: The p.Y4287C variant (also known as c.12860A>G), located in coding exon 90 of the RYR2 gene, results from an A to G substitution at nucleotide position 12860. The tyrosine at codon 4287 is replaced by cysteine, an amino acid with highly dissimilar properties. This amino acid position is conserved. In addition, this alteration is predicted to be tolerated by in silico analysis. Based on the available evidence, the clinical significance of this variant remains unclear.

Labcorp Genetics (formerly Invitae), Labcorp
Classification: Uncertain significance for Catecholaminergic polymorphic ventricular tachycardia 1. Last evaluated: 2025-10-17. Review status: criteria provided, single submitter. Criteria: Invitae Variant Classification Sherloc (09022015). Collection method: clinical testing. Allele origin: germline.
Comment: This sequence change replaces tyrosine, which is neutral and polar, with cysteine, which is neutral and slightly polar, at codon 4287 of the RYR2 protein (p.Tyr4287Cys). This variant is not present in population databases (gnomAD no frequency). This variant has not been reported in the literature in individuals affected with RYR2-related conditions. ClinVar contains an entry for this variant (Variation ID: 1515183). Invitae Evidence Modeling of protein sequence and biophysical properties (such as structural, functional, and spatial information, amino acid conservation, physicochemical variation, residue mobility, and thermodynamic stability) indicates that this missense variant is not expected to disrupt RYR2 protein function with a negative predictive value of 95%. In summary, the available evidence is currently insufficient to determine the role of this variant in disease. Therefore, it has been classified as a Variant of Uncertain Significance.

Color Diagnostics, LLC DBA Color Health
Classification: Uncertain significance for Cardiomyopathy. Last evaluated: 2023-11-29. Review status: criteria provided, single submitter. Criteria: ACMG Guidelines, 2015. Collection method: clinical testing. Allele origin: germline.
Comment: This missense variant replaces tyrosine with cysteine at codon 4287 of the RYR2 protein. Computational prediction is inconclusive regarding the impact of this variant on protein structure and function. To our knowledge, functional studies have not been reported for this variant. This variant has not been reported in individuals affected with RYR2-related disorders in the literature. This variant has not been identified in the general population by the Genome Aggregation Database (gnomAD). The available evidence is insufficient to determine the role of this variant in disease conclusively. Therefore, this variant is classified as a Variant of Uncertain Significance.